The following is an entry in ClinVar:

ClinVar aggregate classification (germline): Uncertain significance (1 of 4 stars; one submission).

Allele frequency attached by ClinVar (database versions not stated): ExAC 0.00001; gnomAD 0.00001; gnomAD exomes 0.00001; TOPMed 0.00001.
gnomAD v4.1: 9 of 1,613,094 alleles (0.00056%); highest among the groups gnomAD compares: Non-Finnish European, 0.00068%; no homozygotes.

Submission:

CeGaT Center for Human Genetics Tuebingen
Classification: Uncertain significance. Last evaluated: 2022-11-01. Review status: criteria provided, single submitter. Criteria: CeGaT Center For Human Genetics Tuebingen Variant Classification Criteria Version 2. Collection method: clinical testing. Allele origin: germline. Affected: yes. Observed: 1 variant allele.
Comment: TENM4: PM2, PP3

NM_001098816.3(TENM4):c.7463G>A (p.Gly2488Asp)

Gene: TENM4 (teneurin transmembrane protein 4; minus strand). Cytogenetic location: 11q14.1.
Variant type: single nucleotide variant.
Coding change: c.7463G>A on transcript NM_001098816.3 (MANE Select); coding-DNA position 7463, G replaced by A.
Protein change: p.Gly2488Asp; replaces glycine 2488 with aspartic acid.
Molecular consequence: missense variant.
Genome position (GRCh38, 1-based): chr11:78,661,537, C>T on the plus strand (G>A on the coding strand, the complement: TENM4 is on the minus strand). VCF-style: chr11-78661537-C-T. GRCh37 (hg19) VCF-style: chr11-78372582-C-T.
Other names: short protein forms G2488D.
Identifiers: ClinVar variation 1879213 (VCV001879213.29), dbSNP rs776642107, ClinGen allele CA6206239.